The following is an entry in ClinVar:

NM_213606.4(SLC16A12):c.1481T>G (p.Val494Gly)

Gene: SLC16A12 (solute carrier family 16 member 12; minus strand). Cytogenetic location: 10q23.31.
Variant type: single nucleotide variant.
Coding change: c.1481T>G on transcript NM_213606.4 (MANE Select); coding-DNA position 1481, T replaced by G.
Protein change: p.Val494Gly; replaces valine 494 with glycine.
Molecular consequence: missense variant.
Genome position (GRCh38, 1-based): chr10:89,433,134, A>C on the plus strand (T>G on the coding strand, the complement: SLC16A12 is on the minus strand). VCF-style: chr10-89433134-A-C. GRCh37 (hg19) VCF-style: chr10-91192891-A-C.
Other names: short protein forms V494G.
Identifiers: ClinVar variation 1968100 (VCV001968100.5), dbSNP rs1481019069, ClinGen allele CA377548781.

ClinVar aggregate classification (germline): Uncertain significance (1 of 4 stars; one submission).

Allele frequency attached by ClinVar (database versions not stated): gnomAD exomes below 0.00001; gnomAD 0.00001; TOPMed 0.00001.
gnomAD v4.1: 3 of 1,614,106 alleles (0.00019%); highest among the groups gnomAD compares: Admixed American, 0.005%; no homozygotes.

Submission:

Labcorp Genetics (formerly Invitae), Labcorp
Classification: Uncertain significance. Last evaluated: 2022-05-24. Review status: criteria provided, single submitter. Criteria: Invitae Variant Classification Sherloc (09022015). Collection method: clinical testing. Allele origin: germline.
Comment: In summary, the available evidence is currently insufficient to determine the role of this variant in disease. Therefore, it has been classified as a Variant of Uncertain Significance. Algorithms developed to predict the effect of missense changes on protein structure and function are either unavailable or do not agree on the potential impact of this missense change (SIFT: "Deleterious"; PolyPhen-2: "Possibly Damaging"; Align-GVGD: "Class C0"). This variant has not been reported in the literature in individuals affected with SLC16A12-related conditions. This variant is present in population databases (no rsID available, gnomAD 0.1%). This sequence change replaces valine, which is neutral and non-polar, with glycine, which is neutral and non-polar, at codon 494 of the SLC16A12 protein (p.Val494Gly).